The following is an entry in ClinVar:

NM_015072.5(TTLL5):c.410dup (p.Asn137fs)

Gene: TTLL5 (tubulin tyrosine ligase like 5; plus strand). Cytogenetic location: 14q24.3.
Variant type: Duplication.
Coding change: c.410dup on transcript NM_015072.5 (MANE Select); coding-DNA position 410, one base duplicated (A; older notation c.410dupA).
Protein change: p.Asn137fs; shifts the reading frame from asparagine 137.
Molecular consequence: frameshift variant.
Genome position (GRCh38, 1-based): chr14:75,690,230, A duplicated; the last of 5 consecutive A bases (chr14:75,690,226-75,690,230); duplicating any one gives the same sequence. VCF-style (leftmost placement, unchanged base first): chr14-75690225-C-CA. GRCh37 (hg19) VCF-style: chr14-76156568-C-CA.
Other names: short protein forms N137fs.
Identifiers: ClinVar variation 1966188 (VCV001966188.5), dbSNP rs2504323828, ClinGen allele CA2580088759.

ClinVar aggregate classification (germline): Pathogenic (1 of 4 stars; one submission).

Submission:

Labcorp Genetics (formerly Invitae), Labcorp
Classification: Pathogenic. Last evaluated: 2022-05-27. Review status: criteria provided, single submitter. Criteria: Invitae Variant Classification Sherloc (09022015). Collection method: clinical testing. Allele origin: germline.
Comment: For these reasons, this variant has been classified as Pathogenic. This variant has not been reported in the literature in individuals affected with TTLL5-related conditions. This variant is not present in population databases (gnomAD no frequency). This sequence change creates a premature translational stop signal (p.Asn137Lysfs*26) in the TTLL5 gene. It is expected to result in an absent or disrupted protein product. Loss-of-function variants in TTLL5 are known to be pathogenic (PMID: 24791901, 27162334).

Literature cited by the submitters: PubMed 24791901; PubMed 27162334.